The following is an entry in ClinVar:

NM_032520.5(GNPTG):c.819_822del (p.Thr274fs)

Gene: GNPTG (N-acetylglucosamine-1-phosphate transferase subunit gamma; plus strand). Cytogenetic location: 16p13.3.
Variant type: Deletion.
Coding change: c.819_822del on transcript NM_032520.5 (MANE Select); coding-DNA positions 819 to 822, 4 bases deleted (CACA; older notation c.819_822delCACA).
Protein change: p.Thr274fs; shifts the reading frame from threonine 274.
Molecular consequence: frameshift variant.
Genome position (GRCh38, 1-based): chr16:1,362,902-1,362,905, CACA deleted. VCF-style (leftmost placement, unchanged base first): chr16-1362901-CCACA-C. GRCh37 (hg19) VCF-style: chr16-1412902-CCACA-C.
Other names: short protein forms T274fs.
Identifiers: ClinVar variation 3234886 (VCV003234886.1), dbSNP rs2548191579, ClinGen allele CA2825002319.

ClinVar aggregate classification (germline): Uncertain significance (1 of 4 stars; one submission).

Conditions:
GNPTG-mucolipidosis. Also called: ML III GAMMA; ML IIIC; MUCOLIPIDOSIS III, COMPLEMENTATION GROUP C; MUCOLIPIDOSIS III, IRANIAN VARIANT FORM; MUCOLIPIDOSIS III, VARIANT FORM; Mucolipidosis type III gamma. Identifiers: Orphanet 423470, Orphanet 577, MedGen C1854896, MONDO:0009652, OMIM 252605.

Submission:

Neuberg Centre For Genomic Medicine, NCGM
Classification: Uncertain significance for GNPTG-mucolipidosis. Review status: criteria provided, single submitter. Criteria: ACMG Guidelines, 2015. Collection method: clinical testing. Allele origin: germline. Inheritance: Autosomal recessive inheritance. Affected: yes.
Comment: The frameshift c.819_822del p.Thr274LysfsTer59 variant in GNPTG gene has not been reported previously as a pathogenic variant nor as a benign variant, to our knowledge. The p.Thr274LysfsTer59 variant is novel not in any individuals in both gnomAD Exomes and 1000 Genomes databases. This variant has not been reported to the ClinVar database. This variant causes a frameshift starting with codon Threonine 274, changes this amino acid to Lysine residue, and creates a premature Stop codon at position 59 of the new reading frame, denoted p.Thr274LysfsTer59. Loss of function variants have been previously reported to be disease causing. However, since this variant is present in the penultimate exon, functional studies will be required to prove protein truncation. Hence, this variant is classified as a Variant of Uncertain Significance VUS.